The following is an entry in ClinVar:

NM_001033855.3(DCLRE1C):c.780+1G>C

Gene: DCLRE1C (DNA cross-link repair 1C; minus strand). Cytogenetic location: 10p13.
Variant type: single nucleotide variant.
Coding change: c.780+1G>C on transcript NM_001033855.3 (MANE Select); the canonical splice donor site of the intron after coding-DNA position 780, G replaced by C.
Molecular consequence: splice donor variant.
Genome position (GRCh38, 1-based): chr10:14,932,853, C>G on the plus strand (G>C on the coding strand, the complement: DCLRE1C is on the minus strand). VCF-style: chr10-14932853-C-G. GRCh37 (hg19) VCF-style: chr10-14974852-C-G.
Other names: c.420+1G>C (NM_001289077.2, NM_001289079.2, NM_001033857.3 and 2 more transcripts); c.435+1G>C (NM_001350966.2, NM_001289078.2, NM_001289076.2 and 1 more transcripts); c.780+1G>C (NM_001350965.2).
Identifiers: ClinVar variation 843323 (VCV000843323.9), dbSNP rs1839255008, ClinGen allele CA376058306.

ClinVar aggregate classification (germline): Likely pathogenic. Review status: criteria provided, multiple submitters, no conflicts (2 of 4 stars). 2 submissions from 2 submitters: Likely pathogenic (2). Last evaluated 2025-02-26.

Conditions:
Athabaskan severe combined immunodeficiency (SCIDA). Also called: Severe combined immunodeficiency, athabascan-type. Identifiers: MedGen C1865370.
Severe combined immunodeficiency due to DCLRE1C deficiency (RS-SCID). Also called: SCID, AUTOSOMAL RECESSIVE, T CELL-NEGATIVE, B CELL-NEGATIVE, NK CELL-POSITIVE, WITH SENSITIVITY TO IONIZING RADIATION. Identifiers: Orphanet 275, MedGen C1865371, MONDO:0011225, OMIM 602450.

Submissions (2):

Labcorp Genetics (formerly Invitae), Labcorp
Classification: Likely pathogenic for Athabaskan severe combined immunodeficiency. Last evaluated: 2025-02-26. Review status: criteria provided, single submitter. Criteria: Invitae Variant Classification Sherloc (09022015). Collection method: clinical testing. Allele origin: germline.
Comment: This sequence change affects a donor splice site in intron 9 of the DCLRE1C gene. It is expected to disrupt RNA splicing. Variants that disrupt the donor or acceptor splice site typically lead to a loss of protein function (PMID: 16199547), and loss-of-function variants in DCLRE1C are known to be pathogenic (PMID: 21664875, 26123418). This variant is not present in population databases (gnomAD no frequency). This variant has not been reported in the literature in individuals affected with DCLRE1C-related conditions. ClinVar contains an entry for this variant (Variation ID: 843323). Algorithms developed to predict the effect of sequence changes on RNA splicing suggest that this variant may disrupt the consensus splice site. In summary, the currently available evidence indicates that the variant is pathogenic, but additional data are needed to prove that conclusively. Therefore, this variant has been classified as Likely Pathogenic.

Natera, Inc.
Classification: Likely pathogenic for Athabascan severe combined immunodeficiency. Last evaluated: 2024-12-11. Review status: criteria provided, single submitter. Criteria: Natera Variant Classification Schema (03/2026). Collection method: clinical testing. Allele origin: germline.
Comment: The c.780+1G>C variant in DCLRE1C is a canonical splice donor site variant predicted to affect pre-mRNA splicing, which may result in an abnormal transcript and altered protein product. This variant may result in a truncated or dysfunctional protein product. This variant is rare in the general population with a frequency below the threshold expected for the associated phenotype(s). Another variant at this same site results in an alteration predicted to cause a similar molecular effect has been observed in individual(s) with the associated phenotype. Given the available evidence, this variant is classified as Likely Pathogenic.

Literature cited by the submitters: PubMed 16199547 (cited by Labcorp Genetics (formerly Invitae), Labcorp); PubMed 21664875 (cited by Labcorp Genetics (formerly Invitae), Labcorp); PubMed 26123418 (cited by Labcorp Genetics (formerly Invitae), Labcorp).